The following is an entry in ClinVar:

ClinVar aggregate classification (germline): Uncertain significance. Review status: criteria provided, multiple submitters, no conflicts (2 of 4 stars). 2 submissions from 2 submitters: Uncertain significance (2). Last evaluated 2024-02-22.

gnomAD v4.1: 20 of 1,614,152 alleles (0.0012%); highest among the groups gnomAD compares: Non-Finnish European, 0.0016%; no homozygotes.

Submissions (2):

Labcorp Genetics (formerly Invitae), Labcorp
Classification: Uncertain significance. Last evaluated: 2024-02-22. Review status: criteria provided, single submitter. Criteria: Invitae Variant Classification Sherloc (09022015). Collection method: clinical testing. Allele origin: germline.
Comment: This sequence change replaces alanine, which is neutral and non-polar, with valine, which is neutral and non-polar, at codon 63 of the CACNA1D protein (p.Ala63Val). This variant is present in population databases (rs753384864, gnomAD 0.0009%). This variant has not been reported in the literature in individuals affected with CACNA1D-related conditions. An algorithm developed to predict the effect of missense changes on protein structure and function (PolyPhen-2) suggests that this variant is likely to be tolerated. In summary, the available evidence is currently insufficient to determine the role of this variant in disease. Therefore, it has been classified as a Variant of Uncertain Significance.

Blueprint Genetics
Classification: Uncertain significance. Last evaluated: 2023-07-06. Review status: criteria provided, single submitter. Criteria: ACMG Guidelines, 2015. Collection method: clinical testing. Allele origin: germline.

NM_001128840.3(CACNA1D):c.188C>T (p.Ala63Val)

Gene: CACNA1D (calcium voltage-gated channel subunit alpha1 D; plus strand). Cytogenetic location: 3p21.1.
Variant type: single nucleotide variant.
Coding change: c.188C>T on transcript NM_001128840.3 (MANE Select); coding-DNA position 188, C replaced by T.
Protein change: p.Ala63Val; replaces alanine 63 with valine.
Molecular consequence: missense variant.
Genome position (GRCh38, 1-based): chr3:53,497,272, C>T. VCF-style: chr3-53497272-C-T. GRCh37 (hg19) VCF-style: chr3-53531299-C-T.
Other names: c.188C>T, p.Ala63Val (NM_000720.4, NM_001128839.3); short protein forms A63V.
Identifiers: ClinVar variation 3628839 (VCV003628839.3).
Genomic context (GRCh38, chr3:53,497,272, plus strand): 5'-CGAATAGCTCCAAGCAAACTGTCCTGTCTTGGCAAGCTGCAATCGATGCTGCTAGACAGG[C>T]CAAGGCTGCCCAAACTATGAGCACCTCTGCACCCCCACCTGTAGGATCTCTCTCCCAAAG-3'
Protein context (NP_001122312.1, residues 53-73): WQAAIDAARQ[Ala63Val]KAAQTMSTSA